The following is an entry in ClinVar:

ClinVar aggregate classification (germline): Uncertain significance. Review status: no assertion criteria provided (0 of 4 stars). 2 submissions from 2 submitters: Uncertain significance (2). Last evaluated 2025-05-05.

Conditions:
VPS13B-related disorder. Also called: VPS13B-related condition.
Cohen syndrome (COH1). Also called: PEPPER SYNDROME; Cutis verticis gyrata, retinitis pigmentosa, and sensorineural deafness. Identifiers: Orphanet 193, MedGen C0265223, MONDO:0008999, OMIM 216550.

gnomAD v4.1: 1 of 1,613,844 alleles (0.000062%); highest among the groups gnomAD compares: African/African-American, 0.0013%; no homozygotes.

Submissions (2):

Natera, Inc.
Classification: Uncertain significance for Cohen syndrome. Last evaluated: 2025-05-05. Review status: no assertion criteria provided. Collection method: clinical testing. Allele origin: germline.

PreventionGenetics, part of Exact Sciences
Classification: Uncertain significance for VPS13B-related condition. Last evaluated: 2023-12-19. Review status: no assertion criteria provided. Collection method: clinical testing. Allele origin: germline.
Comment: The VPS13B c.4299+9T>A variant is predicted to interfere with splicing. To our knowledge, this variant has not been reported in the literature or in a large population database, indicating this variant is rare. At this time, the clinical significance of this variant is uncertain due to the absence of conclusive functional and genetic evidence.

NM_152564.5(VPS13B):c.4224+717T>A

Gene: VPS13B (vacuolar protein sorting 13 homolog B; plus strand). Cytogenetic location: 8q22.2.
Variant type: single nucleotide variant.
Coding change: c.4224+717T>A on transcript NM_152564.5 (MANE Select); 717 bases into the intron after coding-DNA position 4224, T replaced by A.
Molecular consequence: intron variant.
Genome position (GRCh38, 1-based): chr8:99,507,920, T>A. VCF-style: chr8-99507920-T-A. GRCh37 (hg19) VCF-style: chr8-100520148-T-A.
Other names: c.4299+9T>A (NM_017890.5).
Identifiers: ClinVar variation 3348350 (VCV003348350.2).